The following is an entry in ClinVar:

ClinVar aggregate classification (germline): Pathogenic (1 of 4 stars; one submission).

Conditions:
Trichorhinophalangeal syndrome, type III (TRPS3). Also called: SUGIO-KAJII SYNDROME. Identifiers: Orphanet 77258, MedGen C1860823, OMIM 190351, MONDO:0008597.
Trichorhinophalangeal dysplasia type I (TRPS1). Also called: TRPS I; TRICHORHINOPHALANGEAL SYNDROME, TYPE I. Identifiers: Orphanet 77258, MedGen C0432233, MONDO:0008596, OMIM 190350.

Submission:

Labcorp Genetics (formerly Invitae), Labcorp
Classification: Pathogenic for Trichorhinophalangeal syndrome, type III; Trichorhinophalangeal dysplasia type I. Last evaluated: 2023-04-20. Review status: criteria provided, single submitter. Criteria: Invitae Variant Classification Sherloc (09022015). Collection method: clinical testing. Allele origin: germline.
Comment: This sequence change creates a premature translational stop signal (p.Ala131Leufs*8) in the TRPS1 gene. It is expected to result in an absent or disrupted protein product. Loss-of-function variants in TRPS1 are known to be pathogenic (PMID: 11112658). This variant is not present in population databases (gnomAD no frequency). This variant has not been reported in the literature in individuals affected with TRPS1-related conditions. ClinVar contains an entry for this variant (Variation ID: 2036389). For these reasons, this variant has been classified as Pathogenic.

Literature cited by the submitters: PubMed 11112658.

NM_014112.5(TRPS1):c.390del (p.Ala131fs)

Gene: TRPS1 (transcriptional repressor GATA binding 1; minus strand). Cytogenetic location: 8q23.3.
Variant type: Deletion.
Coding change: c.390del on transcript NM_014112.5 (MANE Select); coding-DNA position 390, one base deleted (T; older notation c.390delT).
Protein change: p.Ala131fs; shifts the reading frame from alanine 131.
Molecular consequence: frameshift variant.
Genome position (GRCh38, 1-based): chr8:115,619,708, A deleted on the plus strand (T on the coding strand, the reverse complement: TRPS1 is on the minus strand). VCF-style (leftmost placement, unchanged base first): chr8-115619707-CA-C. GRCh37 (hg19) VCF-style: chr8-116631934-CA-C.
Other names: c.363del, p.Ala122fs (NM_001282902.3); c.369del, p.Ala124fs (NM_001282903.3); c.351del, p.Ala118fs (NM_001330599.2); short protein forms A118fs, A131fs, A122fs, A124fs.
Identifiers: ClinVar variation 2036389 (VCV002036389.4), dbSNP rs2536915201, ClinGen allele CA2580078531.